The following is an entry in ClinVar:

ClinVar aggregate classification (germline): Likely benign (0 of 4 stars; one submission).

Conditions:
ATP10A-related disorder. Also called: ATP10A-related condition.

gnomAD v4.1: 47 of 1,611,546 alleles (0.0029%); highest among the groups gnomAD compares: African/African-American, 0.062%; no homozygotes.

Submission:

PreventionGenetics, part of Exact Sciences
Classification: Likely benign for ATP10A-related condition. Last evaluated: 2019-11-26. Review status: no assertion criteria provided. Collection method: clinical testing. Allele origin: germline.
Comment: This variant is classified as likely benign based on ACMG/AMP sequence variant interpretation guidelines (Richards et al. 2015 PMID: 25741868, with internal and published modifications).

NM_024490.4(ATP10A):c.3679-10T>C

Gene: ATP10A (ATPase phospholipid transporting 10A (putative); minus strand). Cytogenetic location: 15q12.
Variant type: single nucleotide variant.
Coding change: c.3679-10T>C on transcript NM_024490.4 (MANE Select); 10 bases into the intron before coding-DNA position 3679, T replaced by C.
Molecular consequence: intron variant.
Genome position (GRCh38, 1-based): chr15:25,680,318, A>G on the plus strand (T>C on the coding strand, the complement: ATP10A is on the minus strand). VCF-style: chr15-25680318-A-G. GRCh37 (hg19) VCF-style: chr15-25925465-A-G.
Identifiers: ClinVar variation 3354175 (VCV003354175.1).